The following is an entry in ClinVar:

GRCh37/hg19 15q11.2(chr15:22833321-23223777)x1

Genes: CYFIP1 (cytoplasmic FMR1 interacting protein 1; minus strand), NIPA1 (NIPA magnesium transporter 1; plus strand), NIPA2 (NIPA magnesium transporter 2; plus strand), TUBGCP5 (tubulin gamma complex associated protein 5; minus strand). Cytogenetic location: 15q11.2.
Variant type: copy number loss.
Change: copy number 1 (one copy instead of two) of chr15:22,833,321-23,223,777 (390.5 kb, GRCh37 coordinates, 1-based), cytogenetic band 15q11.2.
Identifiers: ClinVar variation 988928 (VCV000988928.4).

ClinVar aggregate classification (germline): Pathogenic (1 of 4 stars; one submission).

Submission:

Illumina Laboratory Services, Illumina
Classification: Pathogenic. Last evaluated: 2020-03-12. Review status: criteria provided, single submitter. Criteria: ICSL CNVClassificationCriteria Aug2020. Collection method: clinical testing. Allele origin: unknown.
Comment: This CNV is a 390 kb deletion of 15q11.2, on chromosome 15, (seq[GRCH37]del(15)(q11.2); chr15:g.22833321_23223777del) of unknown inheritance. The CNV constitutes a loss of seven genes: WHAMMP3, LOC729900, LOC283683, NIPA1, NIPA2, CYFIP1 and TUBGCP5. The CNV overlaps the well-described 15q11.2 microdeletion syndrome which has been reported in many cases in the literature. Based on collective evidence, this CNV is classified as pathogenic.